The following is an entry in ClinVar:

NM_000433.4(NCF2):c.173A>G (p.Lys58Arg)

Gene: NCF2 (neutrophil cytosolic factor 2; minus strand). Cytogenetic location: 1q25.3.
Variant type: single nucleotide variant.
Coding change: c.173A>G on transcript NM_000433.4 (MANE Select); coding-DNA position 173, A replaced by G.
Protein change: p.Lys58Arg; replaces lysine 58 with arginine.
Molecular consequence: missense variant.
Genome position (GRCh38, 1-based): chr1:183,590,157, T>C on the plus strand (A>G on the coding strand, the complement: NCF2 is on the minus strand). VCF-style: chr1-183590157-T-C. GRCh37 (hg19) VCF-style: chr1-183559292-T-C.
Other names: c.173A>G, p.Lys58Arg (NM_001127651.3, NM_001190789.2, NM_001190794.2 and 1 more transcripts); short protein forms K58R.
Identifiers: ClinVar variation 1903801 (VCV001903801.5), dbSNP rs2528038922, ClinGen allele CA343684056.

ClinVar aggregate classification (germline): Uncertain significance (1 of 4 stars; one submission).

Conditions:
Granulomatous disease, chronic, autosomal recessive, cytochrome b-positive, type 2. Also called: Chronic Granulomatous Disease, Autosomal Recessive, Cytochrome b-Positive, Type II; CGD, AUTOSOMAL RECESSIVE CYTOCHROME b-POSITIVE, TYPE II; GRANULOMATOUS DISEASE, CHRONIC, AUTOSOMAL RECESSIVE, 2; Chronic granulomatous disease due to deficiency of NCF-2; GRANULOMATOUS DISEASE, CHRONIC, DUE TO NCF2 DEFICIENCY. Identifiers: Orphanet 379, MedGen C1856245, MONDO:0009310, OMIM 233710.

Allele frequency attached by ClinVar (database versions not stated): gnomAD exomes below 0.00001.
gnomAD v4.1: 3 of 1,614,200 alleles (0.00019%); highest among the groups gnomAD compares: African/African-American, 0.0013%; no homozygotes.

Submission:

Labcorp Genetics (formerly Invitae), Labcorp
Classification: Uncertain significance for Granulomatous disease, chronic, autosomal recessive, cytochrome b-positive, type 2. Last evaluated: 2022-04-28. Review status: criteria provided, single submitter. Criteria: Invitae Variant Classification Sherloc (09022015). Collection method: clinical testing. Allele origin: germline.
Comment: Algorithms developed to predict the effect of missense changes on protein structure and function are either unavailable or do not agree on the potential impact of this missense change (SIFT: "Tolerated"; PolyPhen-2: "Possibly Damaging"; Align-GVGD: "Class C0"). In summary, the available evidence is currently insufficient to determine the role of this variant in disease. Therefore, it has been classified as a Variant of Uncertain Significance. This sequence change replaces lysine, which is basic and polar, with arginine, which is basic and polar, at codon 58 of the NCF2 protein (p.Lys58Arg). This variant is not present in population databases (gnomAD no frequency). This variant has not been reported in the literature in individuals affected with NCF2-related conditions.